The following is an entry in ClinVar:

NM_194454.3(KRIT1):c.2025+2T>C

Gene: KRIT1 (KRIT1 ankyrin repeat containing; minus strand). Cytogenetic location: 7q21.2.
Variant type: single nucleotide variant.
Coding change: c.2025+2T>C on transcript NM_194454.3 (MANE Select); the canonical splice donor site of the intron after coding-DNA position 2025, T replaced by C.
Molecular consequence: splice donor variant.
Genome position (GRCh38, 1-based): chr7:92,213,193, A>G on the plus strand (T>C on the coding strand, the complement: KRIT1 is on the minus strand). VCF-style: chr7-92213193-A-G. GRCh37 (hg19) VCF-style: chr7-91842507-A-G.
Other names: c.2025+2T>C (NM_001350680.1, NM_001350678.1, NM_001350679.1 and 26 more transcripts); c.1881+2T>C (NM_001350669.1, NM_001013406.2, NM_001350670.1); c.1311+2T>C (NM_001350671.1).
Identifiers: ClinVar variation 590730 (VCV000590730.4), dbSNP rs1563239833, ClinGen allele CA368138957.

ClinVar aggregate classification (germline): Pathogenic/Likely pathogenic. Review status: criteria provided, multiple submitters, no conflicts (2 of 4 stars). 2 submissions from 2 submitters: Pathogenic (1); Likely pathogenic (1). Last evaluated 2024-09-15.

Conditions:
Cerebral cavernous malformation (CCM). Also called: Cavernous Hemangioma of Brain; Cerebral cavernous hemangioma (type); Cerebral cavernous malformations; CAVERNOUS ANGIOMA, FAMILIAL; CAVERNOUS ANGIOMATOUS MALFORMATIONS; CEREBRAL CAPILLARY MALFORMATIONS. Identifiers: Orphanet 221061, MedGen C2919945, MONDO:0000820, OMIM 116860, HP:0033522.

Submissions (2):

Labcorp Genetics (formerly Invitae), Labcorp
Classification: Pathogenic for Cerebral cavernous malformation. Last evaluated: 2024-09-15. Review status: criteria provided, single submitter. Criteria: Invitae Variant Classification Sherloc (09022015). Collection method: clinical testing. Allele origin: germline.
Comment: This sequence change affects a donor splice site in intron 18 of the KRIT1 gene. It is expected to disrupt RNA splicing. Variants that disrupt the donor or acceptor splice site typically lead to a loss of protein function (PMID: 16199547), and loss-of-function variants in KRIT1 are known to be pathogenic (PMID: 10508515, 11222804, 12404106, 24689081). This variant is not present in population databases (gnomAD no frequency). Disruption of this splice site has been observed in individuals with cerebral cavernous malformations (PMID: 14755725, 31254430). ClinVar contains an entry for this variant (Variation ID: 590730). Algorithms developed to predict the effect of sequence changes on RNA splicing suggest that this variant may disrupt the consensus splice site. For these reasons, this variant has been classified as Pathogenic.

PreventionGenetics, part of Exact Sciences
Classification: Likely pathogenic. Last evaluated: 2018-08-07. Review status: criteria provided, single submitter. Criteria: ACMG Guidelines, 2015. Collection method: clinical testing. Allele origin: germline.

Literature cited by the submitters: PubMed 16199547 (cited by Labcorp Genetics (formerly Invitae), Labcorp); PubMed 10508515 (cited by Labcorp Genetics (formerly Invitae), Labcorp); PubMed 11222804 (cited by Labcorp Genetics (formerly Invitae), Labcorp); PubMed 12404106 (cited by Labcorp Genetics (formerly Invitae), Labcorp); PubMed 24689081 (cited by Labcorp Genetics (formerly Invitae), Labcorp); PubMed 14755725 (cited by Labcorp Genetics (formerly Invitae), Labcorp); PubMed 31254430 (cited by Labcorp Genetics (formerly Invitae), Labcorp).